The following is an entry in ClinVar:

NM_017654.4(SAMD9):c.2825T>C (p.Leu942Ser)

Gene: SAMD9 (sterile alpha motif domain containing 9; minus strand). Cytogenetic location: 7q21.2.
Variant type: single nucleotide variant.
Coding change: c.2825T>C on transcript NM_017654.4 (MANE Select); coding-DNA position 2825, T replaced by C.
Protein change: p.Leu942Ser; replaces leucine 942 with serine.
Molecular consequence: missense variant.
Genome position (GRCh38, 1-based): chr7:93,103,273, A>G on the plus strand (T>C on the coding strand, the complement: SAMD9 is on the minus strand). VCF-style: chr7-93103273-A-G. GRCh37 (hg19) VCF-style: chr7-92732586-A-G.
Other names: c.2825T>C, p.Leu942Ser (NM_001193307.2); short protein forms L942S.
Identifiers: ClinVar variation 1713983 (VCV001713983.5), dbSNP rs963702927, ClinGen allele CA161991182.
Genomic context (GRCh38, chr7:93,103,273, plus strand): 5'-GTGCCCATCTTGTCTTCAAATTTTTCTGTCCCCCAGAAAGCCTTCTTGTTTCCAATTCCT[A>G]AGAATTTTTCACACTGTGATAGTGAAATGGTGGTATCAGGCACATATGAATTAAGAAGAG-3'
Protein context (NP_060124.2, residues 932-952): TISLSQCEKF[Leu942Ser]GIGNKKAFWG

ClinVar aggregate classification (germline): Uncertain significance (1 of 4 stars; one submission).

Allele frequency attached by ClinVar (database versions not stated): TOPMed below 0.00001; gnomAD 0.00001.

Submission:

Labcorp Genetics (formerly Invitae), Labcorp
Classification: Uncertain significance. Last evaluated: 2023-12-07. Review status: criteria provided, single submitter. Criteria: Invitae Variant Classification Sherloc (09022015). Collection method: clinical testing. Allele origin: germline.
Comment: This sequence change replaces leucine, which is neutral and non-polar, with serine, which is neutral and polar, at codon 942 of the SAMD9 protein (p.Leu942Ser). This variant is not present in population databases (gnomAD no frequency). This variant has not been reported in the literature in individuals affected with SAMD9-related conditions. ClinVar contains an entry for this variant (Variation ID: 1713983). Advanced modeling of protein sequence and biophysical properties (such as structural, functional, and spatial information, amino acid conservation, physicochemical variation, residue mobility, and thermodynamic stability) has been performed at Invitae for this missense variant, however the output from this modeling did not meet the statistical confidence thresholds required to predict the impact of this variant on SAMD9 protein function. In summary, the available evidence is currently insufficient to determine the role of this variant in disease. Therefore, it has been classified as a Variant of Uncertain Significance.